The following is an entry in ClinVar:

NM_001277115.2(DNAH11):c.9745G>A (p.Asp3249Asn)

Gene: DNAH11 (dynein axonemal heavy chain 11; plus strand). Cytogenetic location: 7p15.3.
Variant type: single nucleotide variant.
Coding change: c.9745G>A on transcript NM_001277115.2 (MANE Select); coding-DNA position 9745, G replaced by A.
Protein change: p.Asp3249Asn; replaces aspartic acid 3249 with asparagine.
Molecular consequence: missense variant.
Genome position (GRCh38, 1-based): chr7:21,787,404, G>A. VCF-style: chr7-21787404-G-A. GRCh37 (hg19) VCF-style: chr7-21827022-G-A.
Other names: short protein forms D3249N.
Identifiers: ClinVar variation 1004503 (VCV001004503.12), dbSNP rs537824201, ClinGen allele CA4182108.
Genomic context (GRCh38, chr7:21,787,404, plus strand): 5'-TGGAATTTTCTCTGCAGCCAAAATGGGTTCATTGCAATAAATCTTTTTGCTTTGCAGGTT[G>A]ATGATTTTTTGCAAGCATTAATTAACTATGACAAAGAGCACATTCCAGAGAACTGTCTAA-3'
Protein context (NP_001264044.1, residues 3239-3259): KAAKVFMGKV[Asp3249Asn]DFLQALINYD

ClinVar aggregate classification (germline): Conflicting classifications of pathogenicity. Review status: criteria provided, conflicting classifications (1 of 4 stars). 3 submissions from 3 submitters: Uncertain significance (2); Benign (1). Last evaluated 2025-06-22.

Conditions:
Primary ciliary dyskinesia. Also called: Ciliary dyskinesia. Identifiers: Orphanet 244, MedGen C0008780, MONDO:0016575, HP:0012265.

Allele frequency attached by ClinVar (database versions not stated): gnomAD 0.00001; gnomAD exomes 0.00001 and 0.00004; ExAC 0.00002; 1000 Genomes Project 30x 0.00016; 1000 Genomes Project 0.00020; TOPMed below 0.00001.
gnomAD v4.1: 11 of 1,600,210 alleles (0.00069%); highest among the groups gnomAD compares: East Asian, 0.023%; no homozygotes.

Submissions (3):

Labcorp Genetics (formerly Invitae), Labcorp
Classification: Benign for Primary ciliary dyskinesia. Last evaluated: 2025-06-22. Review status: criteria provided, single submitter. Criteria: Invitae Variant Classification Sherloc (09022015). Collection method: clinical testing. Allele origin: germline.

GeneDx
Classification: Uncertain significance. Last evaluated: 2025-04-18. Review status: criteria provided, single submitter. Criteria: GeneDx Variant Classification Process June 2021. Collection method: clinical testing. Allele origin: germline. Affected: yes.
Comment: In silico analysis supports that this missense variant has a deleterious effect on protein structure/function; Has not been previously published as pathogenic or benign to our knowledge

Ambry Genetics
Classification: Uncertain significance for Primary ciliary dyskinesia. Last evaluated: 2023-12-12. Review status: criteria provided, single submitter. Criteria: Ambry Variant Classification Scheme 2023. Collection method: clinical testing. Allele origin: germline.